The following is an entry in ClinVar:

ClinVar aggregate classification (germline): not provided (0 of 4 stars; one submission).

Allele frequency attached by ClinVar (database versions not stated): gnomAD 0.00001.

Submission:

Human Evolutionary Genetics, Institut Pasteur
No classification provided. Review status: no classification provided. Collection method: not provided. Allele origin: germline.
ClinVar note: Converted during submission from untested to not provided.

NM_001384950.1(NLRC5):c.356-88G>A

Gene: NLRC5 (NLR family CARD domain containing 5; plus strand). Cytogenetic location: 16q13.
Variant type: single nucleotide variant.
Coding change: c.356-88G>A on transcript NM_001384950.1 (MANE Select); 88 bases into the intron before coding-DNA position 356, G replaced by A.
Molecular consequence: intron variant.
Genome position (GRCh38, 1-based): chr16:57,023,697, G>A. VCF-style: chr16-57023697-G-A. GRCh37 (hg19) VCF-style: chr16-57057609-G-A.
Other names: c.356-88G>A (NM_001384954.1, NM_001384953.1, NM_001384957.1 and 22 more transcripts).
Identifiers: ClinVar variation 103183 (VCV000103183.2), dbSNP rs199475968, ClinGen allele CA230229.